The following is an entry in ClinVar:

ClinVar aggregate classification (germline): Conflicting classifications of pathogenicity. Review status: criteria provided, conflicting classifications (1 of 4 stars). 6 submissions from 6 submitters: Uncertain significance (5); Likely benign (1). Last evaluated 2025-03-24.

Conditions:
BRCA2-related disorder. Also called: BRCA2-related condition; BRCA2-related disorders. Identifiers: MedGen CN239275.
Hereditary cancer-predisposing syndrome. Also called: Neoplastic Syndromes, Hereditary; Hereditary Cancer Syndrome; Tumor predisposition; Hereditary neoplastic syndrome. Identifiers: Orphanet 140162, MedGen C0027672, MeSH D009386, MONDO:0015356.
Hereditary breast ovarian cancer syndrome. Also called: BRCA1- and BRCA2-Associated Hereditary Breast and Ovarian Cancer; Hereditary breast and ovarian cancer; Hereditary breast and ovarian cancer syndrome; Hereditary breast and ovarian cancer syndrome (HBOC); Hereditary breast and/or ovarian cancer syndrome; Breast and ovarian cancer. Identifiers: Orphanet 145, MedGen C0677776, MeSH D061325, MONDO:0003582. Disease mechanism: loss of function.

Allele frequency attached by ClinVar (database versions not stated): gnomAD exomes below 0.00001; TOPMed below 0.00001.
gnomAD v4.1: 1 of 1,613,900 alleles (0.000062%); highest among the groups gnomAD compares: Non-Finnish European, 0.000085%; no homozygotes.

Submissions (6):

PreventionGenetics, part of Exact Sciences
Classification: Uncertain significance for BRCA2-related condition. Last evaluated: 2025-03-24. Review status: criteria provided, single submitter. Criteria: ACMG Guidelines, 2015. Collection method: clinical testing. Allele origin: germline.
Comment: The BRCA2 c.6088A>G variant is predicted to result in the amino acid substitution p.Asn2030Asp. To our knowledge, this variant has not been reported in the literature or in a large population database (gnomAD), indicating this variant is rare. This variant occurs within a region of the BRCA2 gene that is predicted to be tolerant to missense variation (Table 2, Dines et al. 2020. PubMed ID: 31911673). This variant has interpretations of likely benign and uncertain significance in ClinVar. Although we suspect that this variant may be benign, at this time, the clinical significance of this variant is uncertain due to the absence of conclusive functional and genetic evidence.

Quest Diagnostics Nichols Institute San Juan Capistrano
Classification: Uncertain significance. Last evaluated: 2024-05-10. Review status: criteria provided, single submitter. Criteria: Quest Diagnostics criteria. Collection method: clinical testing. Allele origin: unknown.
Comment: The BRCA2 c.6088A>G (p.Asn2030Asp) variant has been reported in the published literature in a tumor sample of an individual with endometrial cancer (PMID: 38282550 (2024)). This variant has also been described to be located in a region of the BRCA2 gene that is tolerant to missense sequence changes (PMID: 31911673 (2020)). This variant has not been reported in large, multi-ethnic general populations (Genome Aggregation Database). Analysis of this variant using bioinformatics tools for the prediction of the effect of amino acid changes on protein structure and function yielded predictions that this variant is benign. Based on the available information, we are unable to determine the clinical significance of this variant.

University of Washington Department of Laboratory Medicine, University of Washington
Classification: Likely benign for Hereditary cancer-predisposing syndrome. Last evaluated: 2023-03-23. Review status: criteria provided, single submitter. Criteria: Dines et al. (Genet Med. 2020). Collection method: curation. Allele origin: germline.
Comment: Missense variant in a coldspot region where missense variants are very unlikely to be pathogenic (PMID:31911673).

BRCA2 exon 11 coldspot. Reclassification based on statistical prior probability.

Women's Health and Genetics/Laboratory Corporation of America, LabCorp
Classification: Uncertain significance. Last evaluated: 2023-03-02. Review status: criteria provided, single submitter. Criteria: LabCorp Variant Classification Summary - May 2015. Collection method: clinical testing. Allele origin: germline.

Ambry Genetics
Classification: Uncertain significance for Hereditary cancer-predisposing syndrome. Last evaluated: 2022-08-16. Review status: criteria provided, single submitter. Criteria: Ambry Variant Classification Scheme 2023. Collection method: clinical testing. Allele origin: germline.
Comment: The p.N2030D variant (also known as c.6088A>G), located in coding exon 10 of the BRCA2 gene, results from an A to G substitution at nucleotide position 6088. The asparagine at codon 2030 is replaced by aspartic acid, an amino acid with highly similar properties. This amino acid position is poorly conserved in available vertebrate species. In addition, this alteration is predicted to be tolerated by in silico analysis. Since supporting evidence is limited at this time, the clinical significance of this alteration remains unclear.

Labcorp Genetics (formerly Invitae), Labcorp
Classification: Uncertain significance for Hereditary breast ovarian cancer syndrome. Last evaluated: 2022-04-20. Review status: criteria provided, single submitter. Criteria: Invitae Variant Classification Sherloc (09022015). Collection method: clinical testing. Allele origin: germline.
Comment: This sequence change replaces asparagine, which is neutral and polar, with aspartic acid, which is acidic and polar, at codon 2030 of the BRCA2 protein (p.Asn2030Asp). This variant is not present in population databases (gnomAD no frequency). This variant has not been reported in the literature in individuals affected with BRCA2-related conditions. ClinVar contains an entry for this variant (Variation ID: 483101). Advanced modeling of protein sequence and biophysical properties (such as structural, functional, and spatial information, amino acid conservation, physicochemical variation, residue mobility, and thermodynamic stability) performed at Invitae indicates that this missense variant is not expected to disrupt BRCA2 protein function. In summary, the available evidence is currently insufficient to determine the role of this variant in disease. Therefore, it has been classified as a Variant of Uncertain Significance.

Literature cited by the submitters: PubMed 31911673 (cited by Quest Diagnostics Nichols Institute San Juan Capistrano); PubMed 38282550 (cited by Quest Diagnostics Nichols Institute San Juan Capistrano).

NM_000059.4(BRCA2):c.6088A>G (p.Asn2030Asp)

Gene: BRCA2 (BRCA2 DNA repair associated; plus strand). Cytogenetic location: 13q13.1.
Variant type: single nucleotide variant.
Coding change: c.6088A>G on transcript NM_000059.4 (MANE Select); coding-DNA position 6088, A replaced by G.
Protein change: p.Asn2030Asp; replaces asparagine 2030 with aspartic acid.
Molecular consequence: missense variant.
Genome position (GRCh38, 1-based): chr13:32,340,443, A>G. VCF-style: chr13-32340443-A-G. GRCh37 (hg19) VCF-style: chr13-32914580-A-G.
Other names: short protein forms N2030D.
Identifiers: ClinVar variation 483101 (VCV000483101.17), dbSNP rs1555284539, ClinGen allele CA387788047.